The following is an entry in ClinVar:

ClinVar aggregate classification (germline): Uncertain significance. Review status: criteria provided, multiple submitters, no conflicts (2 of 4 stars). 2 submissions from 2 submitters: Uncertain significance (2). Last evaluated 2025-11-06.

Conditions:
Inborn genetic diseases. Identifiers: MedGen C0950123, MeSH D030342.
Charcot-Marie-Tooth disease type 2. Also called: Charcot-Marie-Tooth type 2. Identifiers: Orphanet 64746, MedGen C0270914, MONDO:0018993.

Submissions (2):

Ambry Genetics
Classification: Uncertain significance for Inborn genetic diseases. Last evaluated: 2025-11-06. Review status: criteria provided, single submitter. Criteria: Ambry Variant Classification Scheme 2023. Collection method: clinical testing. Allele origin: germline.

Labcorp Genetics (formerly Invitae), Labcorp
Classification: Uncertain significance for Charcot-Marie-Tooth disease type 2. Last evaluated: 2024-09-09. Review status: criteria provided, single submitter. Criteria: Invitae Variant Classification Sherloc (09022015). Collection method: clinical testing. Allele origin: germline.
Comment: This sequence change replaces alanine, which is neutral and non-polar, with threonine, which is neutral and polar, at codon 796 of the AARS protein (p.Ala796Thr). This variant is present in population databases (no rsID available, gnomAD 0.002%). This variant has not been reported in the literature in individuals affected with AARS-related conditions. Invitae Evidence Modeling of protein sequence and biophysical properties (such as structural, functional, and spatial information, amino acid conservation, physicochemical variation, residue mobility, and thermodynamic stability) indicates that this missense variant is not expected to disrupt AARS protein function with a negative predictive value of 95%. In summary, the available evidence is currently insufficient to determine the role of this variant in disease. Therefore, it has been classified as a Variant of Uncertain Significance.

NM_001605.3(AARS1):c.2386G>A (p.Ala796Thr)

Gene: AARS1 (alanyl-tRNA synthetase 1; minus strand). Cytogenetic location: 16q22.1.
Variant type: single nucleotide variant.
Coding change: c.2386G>A on transcript NM_001605.3 (MANE Select); coding-DNA position 2386, G replaced by A.
Protein change: p.Ala796Thr; replaces alanine 796 with threonine.
Molecular consequence: missense variant.
Genome position (GRCh38, 1-based): chr16:70,254,635, C>T on the plus strand (G>A on the coding strand, the complement: AARS1 is on the minus strand). VCF-style: chr16-70254635-C-T. GRCh37 (hg19) VCF-style: chr16-70288538-C-T.
Other names: short protein forms A796T.
Identifiers: ClinVar variation 3628650 (VCV003628650.3).
Genomic context (GRCh38, chr16:70,254,635, plus strand): 5'-TTCATGCACCAGGCCCTGAGGACGGAGGGAGGGAAGCCGCCCCTACCTCTCCAAGGTCAG[C>T]GATCTCCCTCTGCACATCCTTGTTTGGAGCAGTCTGAGCCTTCACTTTGGCTTCCATGAC-3'
Protein context (NP_001596.2, residues 786-806): APNKDVQREI[Ala796Thr]DLGEALATAV